The following is an entry in ClinVar:

ClinVar aggregate classification (germline): Uncertain significance. Review status: criteria provided, multiple submitters, no conflicts (2 of 4 stars). 3 submissions from 3 submitters: Uncertain significance (3). Last evaluated 2023-05-23.

Conditions:
Autosomal dominant hypocalcemia 1 (HYPOC1). Also called: HYPOCALCEMIA, FAMILIAL. Identifiers: MedGen C3715128, MONDO:0011013, OMIM 601198.
Familial hypocalciuric hypercalcemia (FHH). Also called: Familial benign hypercalcemia. Identifiers: Orphanet 405, MedGen C1809471, MONDO:0018458.
Nephrolithiasis/nephrocalcinosis. Identifiers: MedGen CN580796.

Submissions (3):

Ambry Genetics
Classification: Uncertain significance for Nephrolithiasis/nephrocalcinosis. Last evaluated: 2023-05-23. Review status: criteria provided, single submitter. Criteria: Ambry Variant Classification Scheme 2023. Collection method: clinical testing. Allele origin: germline.
Comment: The p.W675R variant (also known as c.2023T>C), located in coding exon 6 of the CASR gene, results from a T to C substitution at nucleotide position 2023. The tryptophan at codon 675 is replaced by arginine, an amino acid with dissimilar properties. This amino acid position is conserved. In addition, this alteration is predicted to be deleterious by in silico analysis. Since supporting evidence is limited at this time, the clinical significance of this alteration remains unclear.

Labcorp Genetics (formerly Invitae), Labcorp
Classification: Uncertain significance for Familial hypocalciuric hypercalcemia; Autosomal dominant hypocalcemia 1. Last evaluated: 2022-10-07. Review status: criteria provided, single submitter. Criteria: Invitae Variant Classification Sherloc (09022015). Collection method: clinical testing. Allele origin: germline.
Comment: ClinVar contains an entry for this variant (Variation ID: 1256479). Algorithms developed to predict the effect of missense changes on protein structure and function (SIFT, PolyPhen-2, Align-GVGD) all suggest that this variant is likely to be disruptive. In summary, the available evidence is currently insufficient to determine the role of this variant in disease. Therefore, it has been classified as a Variant of Uncertain Significance. This sequence change replaces tryptophan, which is neutral and slightly polar, with arginine, which is basic and polar, at codon 675 of the CASR protein (p.Trp675Arg). This variant is not present in population databases (gnomAD no frequency). This variant has not been reported in the literature in individuals affected with CASR-related conditions.

Athena Diagnostics
Classification: Uncertain significance. Last evaluated: 2021-04-12. Review status: criteria provided, single submitter. Criteria: Athena Diagnostics criteria. Collection method: clinical testing. Allele origin: unknown.

NM_000388.4(CASR):c.2023T>C (p.Trp675Arg)

Gene: CASR (calcium sensing receptor; plus strand). Cytogenetic location: 3q21.1.
Variant type: single nucleotide variant.
Coding change: c.2023T>C on transcript NM_000388.4 (MANE Select); coding-DNA position 2023, T replaced by C.
Protein change: p.Trp675Arg; replaces tryptophan 675 with arginine.
Molecular consequence: missense variant.
Genome position (GRCh38, 1-based): chr3:122,283,977, T>C. VCF-style: chr3-122283977-T-C. GRCh37 (hg19) VCF-style: chr3-122002824-T-C.
Other names: c.2053T>C, p.Trp685Arg (NM_001178065.2); c.2023T>C (NM_000388.3); short protein forms W675R, W685R.
Identifiers: ClinVar variation 1256479 (VCV001256479.8), dbSNP rs2107649805, ClinGen allele CA354158326.
Genomic context (GRCh38, chr3:122,283,977, plus strand): 5'-CTCTTCTCCCTGCTCTGCTGCTTCTCCAGCTCCCTGTTCTTCATCGGGGAGCCCCAGGAC[T>C]GGACGTGCCGCCTGCGCCAGCCGGCCTTTGGCATCAGCTTCGTGCTCTGCATCTCATGCA-3'
Protein context (NP_000379.3, residues 665-685): SLFFIGEPQD[Trp675Arg]TCRLRQPAFG